The following is an entry in ClinVar:

ClinVar aggregate classification (germline): Uncertain significance (1 of 4 stars; one submission).

Conditions:
Duchenne muscular dystrophy (DMD). Also called: Duchenne Muscular Dystrophy (DMD); MUSCULAR DYSTROPHY, PSEUDOHYPERTROPHIC PROGRESSIVE, DUCHENNE TYPE. Identifiers: Orphanet 98896, MedGen C0013264, MONDO:0010679, OMIM 310200.

Allele frequency attached by ClinVar (database versions not stated): gnomAD exomes below 0.00001.
gnomAD v4.1: 1 of 1,210,330 alleles (0.000083%); highest among the groups gnomAD compares: South Asian, 0.0018%; no homozygotes.

Submission:

Labcorp Genetics (formerly Invitae), Labcorp
Classification: Uncertain significance for Duchenne muscular dystrophy. Last evaluated: 2021-11-12. Review status: criteria provided, single submitter. Criteria: Invitae Variant Classification Sherloc (09022015). Collection method: clinical testing. Allele origin: germline.
Comment: In summary, the available evidence is currently insufficient to determine the role of this variant in disease. Therefore, it has been classified as a Variant of Uncertain Significance. Algorithms developed to predict the effect of missense changes on protein structure and function are either unavailable or do not agree on the potential impact of this missense change (SIFT: "Tolerated"; PolyPhen-2: "Possibly Damaging"; Align-GVGD: "Class C0"). This variant has not been reported in the literature in individuals affected with DMD-related conditions. The frequency data for this variant in the population databases is considered unreliable, as metrics indicate poor data quality at this position in the gnomAD database. This sequence change replaces lysine, which is basic and polar, with glutamic acid, which is acidic and polar, at codon 2977 of the DMD protein (p.Lys2977Glu).

NM_004006.3(DMD):c.8929A>G (p.Lys2977Glu)

Gene: DMD (dystrophin; minus strand). Cytogenetic location: Xp21.2.
Variant type: single nucleotide variant.
Coding change: c.8929A>G on transcript NM_004006.3 (MANE Select); coding-DNA position 8929, A replaced by G.
Protein change: p.Lys2977Glu; replaces lysine 2977 with glutamic acid.
Molecular consequence: missense variant.
Genome position (GRCh38, 1-based): chrX:31,478,114, T>C on the plus strand (A>G on the coding strand, the complement: DMD is on the minus strand). VCF-style: chrX-31478114-T-C. GRCh37 (hg19) VCF-style: chrX-31496231-T-C.
Other names: c.8905A>G, p.Lys2969Glu (NM_000109.4); c.8917A>G, p.Lys2973Glu (NM_004009.3); c.8560A>G, p.Lys2854Glu (NM_004010.3); c.4906A>G, p.Lys1636Glu (NM_004011.4); c.4897A>G, p.Lys1633Glu (NM_004012.4); c.1549A>G, p.Lys517Glu (NM_004013.3, NM_004020.4, NM_004021.3 and 2 more transcripts); c.742A>G, p.Lys248Glu (NM_004014.3); short protein forms K2973E, K1636E, K517E, K1633E, K2854E, K2969E, K2977E, K248E.
Identifiers: ClinVar variation 1467798 (VCV001467798.6), dbSNP rs1234431569, ClinGen allele CA412653852.